The following is an entry in ClinVar:

ClinVar aggregate classification (germline): Uncertain significance (1 of 4 stars; one submission).

Conditions:
Autosomal dominant limb-girdle muscular dystrophy type 1G (LGMDD3). Also called: Limb-girdle muscular dystrophy, type 1G; MUSCULAR DYSTROPHY, LIMB-GIRDLE, AUTOSOMAL DOMINANT 3. Identifiers: Orphanet 55596, MedGen C1836765, MONDO:0012193, OMIM 609115.

gnomAD v4.1: 11 of 1,607,904 alleles (0.00068%); highest among the groups gnomAD compares: South Asian, 0.0044%; no homozygotes.

Submission:

Labcorp Genetics (formerly Invitae), Labcorp
Classification: Uncertain significance for Autosomal dominant limb-girdle muscular dystrophy type 1G. Last evaluated: 2024-03-14. Review status: criteria provided, single submitter. Criteria: Invitae Variant Classification Sherloc (09022015). Collection method: clinical testing. Allele origin: germline.
Comment: This sequence change replaces arginine, which is basic and polar, with glutamine, which is neutral and polar, at codon 81 of the HNRNPDL protein (p.Arg81Gln). The frequency data for this variant in the population databases is considered unreliable, as metrics indicate poor data quality at this position in the gnomAD database. This variant has not been reported in the literature in individuals affected with HNRNPDL-related conditions. An algorithm developed to predict the effect of missense changes on protein structure and function (PolyPhen-2) suggests that this variant is likely to be tolerated. In summary, the available evidence is currently insufficient to determine the role of this variant in disease. Therefore, it has been classified as a Variant of Uncertain Significance.

NM_031372.4(HNRNPDL):c.242G>A (p.Arg81Gln)

Gene: HNRNPDL (heterogeneous nuclear ribonucleoprotein D like; minus strand). Cytogenetic location: 4q21.22.
Variant type: single nucleotide variant.
Coding change: c.242G>A on transcript NM_031372.4 (MANE Select); coding-DNA position 242, G replaced by A.
Protein change: p.Arg81Gln; replaces arginine 81 with glutamine.
Molecular consequence: missense variant. On other transcripts: non-coding transcript variant (1).
Genome position (GRCh38, 1-based): chr4:82,429,449, C>T on the plus strand (G>A on the coding strand, the complement: HNRNPDL is on the minus strand). VCF-style: chr4-82429449-C-T. GRCh37 (hg19) VCF-style: chr4-83350602-C-T.
Other names: c.242G>A, p.Arg81Gln (NM_001207000.1); short protein forms R81Q.
Identifiers: ClinVar variation 3714454 (VCV003714454.2).
Genomic context (GRCh38, chr4:82,429,449, plus strand): 5'-GCGGCGGCGGAGCGTTGTATGGAGCTGGATTTAAAATGGCGGCGGAAGAGATCCGGGCGC[C>T]GCCTGCGCCCTCCCTTTATAGCCGCCCCGCCCGCCAATCGGGAGGGCTGCTGGGCGGTGA-3'
Protein context (NP_112740.1, residues 71-91): GGAAIKGGRR[Arg81Gln]RPDLFRRHFK